The following is an entry in ClinVar:

ClinVar aggregate classification (germline): Uncertain significance (1 of 4 stars; one submission).

Submission:

Labcorp Genetics (formerly Invitae), Labcorp
Classification: Uncertain significance. Last evaluated: 2022-06-21. Review status: criteria provided, single submitter. Criteria: Invitae Variant Classification Sherloc (09022015). Collection method: clinical testing. Allele origin: germline.
Comment: In summary, the available evidence is currently insufficient to determine the role of this variant in disease. Therefore, it has been classified as a Variant of Uncertain Significance. Algorithms developed to predict the effect of missense changes on protein structure and function (SIFT, PolyPhen-2, Align-GVGD) all suggest that this variant is likely to be disruptive. This variant has not been reported in the literature in individuals affected with DSCAML1-related conditions. This variant is not present in population databases (gnomAD no frequency). This sequence change replaces arginine, which is basic and polar, with leucine, which is neutral and non-polar, at codon 1474 of the DSCAML1 protein (p.Arg1474Leu).

NM_020693.4(DSCAML1):c.4241G>T (p.Arg1414Leu)

Gene: DSCAML1 (DS cell adhesion molecule like 1; minus strand). Cytogenetic location: 11q23.3.
Variant type: single nucleotide variant.
Coding change: c.4241G>T on transcript NM_020693.4 (MANE Select); coding-DNA position 4241, G replaced by T.
Protein change: p.Arg1414Leu; replaces arginine 1414 with leucine.
Molecular consequence: missense variant.
Genome position (GRCh38, 1-based): chr11:117,438,887, C>A on the plus strand (G>T on the coding strand, the complement: DSCAML1 is on the minus strand). VCF-style: chr11-117438887-C-A. GRCh37 (hg19) VCF-style: chr11-117309603-C-A.
Other names: short protein forms R1414L.
Identifiers: ClinVar variation 2008769 (VCV002008769.4), dbSNP rs775613586, ClinGen allele CA229403252.
Genomic context (GRCh38, chr11:117,438,887, plus strand): 5'-CTGCCCCGGGCCCAGAATTCCTTCCCCTATCTTCCCCCGCATCCAGACCCCTCCTCACCT[C>A]GGATGGAGCTGCCCCCATTGTCACCTGGAATCCAGGTCAGGGTGATGGACGAAGCTGAGG-3'
Protein context (NP_065744.3, residues 1404-1424): IPGDNGGSSI[Arg1414Leu]GFVLQYSVDN